The following is an entry in ClinVar:

ClinVar aggregate classification (germline): Benign. Review status: criteria provided, multiple submitters, no conflicts (2 of 4 stars). 6 submissions from 6 submitters: Benign (5). 1 of the submissions does not count toward it. Last evaluated 2026-01-25.

Conditions:
Compton-North congenital myopathy (CMYO12). Identifiers: Orphanet 210163, MedGen C2675527, MONDO:0012929, OMIM 612540.

Allele frequency attached by ClinVar (database versions not stated): gnomAD exomes 0.00247; ExAC 0.00311; TOPMed 0.01017; ESP Exome Variant Server 0.01153; gnomAD 0.00918 and 0.00980; 1000 Genomes Project 0.01278; 1000 Genomes Project 30x 0.01421.
gnomAD v4.1: 2,758 of 1,614,034 alleles (0.17%); highest among the groups gnomAD compares: African/African-American, 3.2%; 48 homozygotes.

Submissions (6):

Labcorp Genetics (formerly Invitae), Labcorp
Classification: Benign for Compton-North congenital myopathy. Last evaluated: 2026-01-25. Review status: criteria provided, single submitter. Criteria: Invitae Variant Classification Sherloc (09022015). Collection method: clinical testing. Allele origin: germline.

Athena Diagnostics
Classification: Benign. Last evaluated: 2019-10-29. Review status: criteria provided, single submitter. Criteria: Athena Diagnostics Criteria. Collection method: clinical testing. Allele origin: unknown.

GeneDx
Classification: Benign. Last evaluated: 2016-09-23. Review status: criteria provided, single submitter. Criteria: GeneDx Variant Classification (06012015). Collection method: clinical testing. Allele origin: germline. Affected: yes.
Comment: This variant is considered likely benign or benign based on one or more of the following criteria: it is a conservative change, it occurs at a poorly conserved position in the protein, it is predicted to be benign by multiple in silico algorithms, and/or has population frequency not consistent with disease.

Breakthrough Genomics
Classification: Benign. Review status: criteria provided, single submitter. Criteria: ACMG Guidelines, 2015. Collection method: not provided. Allele origin: germline. Inheritance: Autosomal recessive inheritance. Affected: yes.

PreventionGenetics, part of Exact Sciences
Classification: Benign. Review status: criteria provided, single submitter. Criteria: ACMG Guidelines, 2015. Collection method: clinical testing. Allele origin: germline.

Genetic Services Laboratory, University of Chicago
Classification: Likely benign for AllHighlyPenetrant. Review status: no assertion criteria provided. Collection method: clinical testing. Allele origin: germline. Inheritance: Autosomal recessive inheritance. Not counted in ClinVar's aggregate classification.
Comment: Likely benign based on allele frequency in 1000 Genomes Project or ESP global frequency and its presence in a patient with a rare or unrelated disease phenotype. NOT Sanger confirmed.

NM_001843.4(CNTN1):c.2324G>A (p.Ser775Asn)

Gene: CNTN1 (contactin 1; plus strand). Cytogenetic location: 12q12.
Variant type: single nucleotide variant.
Coding change: c.2324G>A on transcript NM_001843.4 (MANE Select); coding-DNA position 2324, G replaced by A.
Protein change: p.Ser775Asn; replaces serine 775 with asparagine.
Molecular consequence: missense variant.
Genome position (GRCh38, 1-based): chr12:41,016,821, G>A. VCF-style: chr12-41016821-G-A. GRCh37 (hg19) VCF-style: chr12-41410623-G-A.
Other names: c.2291G>A, p.Ser764Asn (NM_175038.2); short protein forms S775N, S764N.
Identifiers: ClinVar variation 128794 (VCV000128794.20), dbSNP rs34326474, ClinGen allele CA152444.
Genomic context (GRCh38, chr12:41,016,821, plus strand): 5'-AAAAAGTCACAGTTACTAATCCTGATACTGGCCGATATGTCCATAAAGATGAAACCATGA[G>A]CCCTTCCACTGCATTTCAAGTTAAAGTCAAGGCCTTCAACAACAAAGGAGATGGACCTTA-3'
Protein context (NP_001834.2, residues 765-785): GRYVHKDETM[Ser775Asn]PSTAFQVKVK